The following is an entry in ClinVar:

NM_001244710.2(GFPT1):c.488G>A (p.Arg163Gln)

Gene: GFPT1 (glutamine--fructose-6-phosphate transaminase 1; minus strand). Cytogenetic location: 2p13.3.
Variant type: single nucleotide variant.
Coding change: c.488G>A on transcript NM_001244710.2 (MANE Select); coding-DNA position 488, G replaced by A.
Protein change: p.Arg163Gln; replaces arginine 163 with glutamine.
Molecular consequence: missense variant.
Genome position (GRCh38, 1-based): chr2:69,358,384, C>T on the plus strand (G>A on the coding strand, the complement: GFPT1 is on the minus strand). VCF-style: chr2-69358384-C-T. GRCh37 (hg19) VCF-style: chr2-69585516-C-T.
Other names: c.488G>A, p.Arg163Gln (NM_002056.4); short protein forms R163Q.
Identifiers: ClinVar variation 1523623 (VCV001523623.4), dbSNP rs1034928233, ClinGen allele CA49528293.
Genomic context (GRCh38, chr2:69,358,384, plus strand): 5'-AATACCAATTGTTGGATAACTCTCTCCACCAAGGTAGTAAAGCTGGTATCTTGACTTTCC[C>T]GATTGTCATACATATACTTAACGAGCTTGGCAATTGTCTCTGTGTCTGTTTCAGATTCGA-3'
Protein context (NP_001231639.1, residues 153-173): AKLVKYMYDN[Arg163Gln]ESQDTSFTTL

ClinVar aggregate classification (germline): Uncertain significance (1 of 4 stars; one submission).

Conditions:
Congenital myasthenic syndrome 12 (CMS12). Also called: Myasthenia, congenital, 12, with tubular aggregates; MYASTHENIC SYNDROME, CONGENITAL, WITH TUBULAR AGGREGATES 1. Identifiers: Orphanet 353327, Orphanet 590, MedGen C3552335, MONDO:0012518, OMIM 610542.

Allele frequency attached by ClinVar (database versions not stated): gnomAD exomes below 0.00001; gnomAD 0.00001; TOPMed 0.00001.

Submission:

Labcorp Genetics (formerly Invitae), Labcorp
Classification: Uncertain significance for Congenital myasthenic syndrome 12. Last evaluated: 2023-12-11. Review status: criteria provided, single submitter. Criteria: Invitae Variant Classification Sherloc (09022015). Collection method: clinical testing. Allele origin: germline.
Comment: This sequence change replaces arginine, which is basic and polar, with glutamine, which is neutral and polar, at codon 163 of the GFPT1 protein (p.Arg163Gln). This variant is not present in population databases (gnomAD no frequency). This variant has not been reported in the literature in individuals affected with GFPT1-related conditions. ClinVar contains an entry for this variant (Variation ID: 1523623). Advanced modeling of protein sequence and biophysical properties (such as structural, functional, and spatial information, amino acid conservation, physicochemical variation, residue mobility, and thermodynamic stability) performed at Invitae indicates that this missense variant is not expected to disrupt GFPT1 protein function with a negative predictive value of 80%. In summary, the available evidence is currently insufficient to determine the role of this variant in disease. Therefore, it has been classified as a Variant of Uncertain Significance.